The following is an entry in ClinVar:

ClinVar aggregate classification (germline): Pathogenic. Review status: criteria provided, multiple submitters, no conflicts (2 of 4 stars). 2 submissions from 2 submitters: Pathogenic (2). Last evaluated 2025-02-05.

Conditions:
Bartter disease type 3. Also called: Bartter syndrome type 3. Identifiers: Orphanet 112, Orphanet 93605, MedGen C1846343, MONDO:0011822, OMIM 607364.

Submissions (2):

3billion
Classification: Pathogenic for Bartter disease type 3. Last evaluated: 2025-02-05. Review status: criteria provided, single submitter. Criteria: ACMG Guidelines, 2015. Collection method: clinical testing. Allele origin: germline. Affected: yes.
Comment: The variant is not observed in the gnomAD v4.1.0 dataset. Predicted Consequence/Location: Frameshift: predicted to result in a loss or disruption of normal protein function through nonsense-mediated decay (NMD) or protein truncation. Multiple pathogenic variants are reported downstream of the variant. The variant has been reported to be associated with CLCNKB-related disorder (ClinVar ID: VCV000447106 /PMID: 32868181). Therefore, this variant is classified as Pathogenic according to the recommendation of ACMG/AMP guideline.

Athena Diagnostics
Classification: Pathogenic. Last evaluated: 2016-04-15. Review status: criteria provided, single submitter. Criteria: Athena Diagnostics Criteria. Collection method: clinical testing. Allele origin: germline.

Literature cited by the submitters: PubMed 32868181 (cited by 3billion).

NM_000085.5(CLCNKB):c.73del (p.Cys25fs)

Gene: CLCNKB (chloride voltage-gated channel Kb; plus strand). Cytogenetic location: 1p36.13.
Variant type: Deletion.
Coding change: c.73del on transcript NM_000085.5 (MANE Select); coding-DNA position 73, one base deleted (T; older notation c.73delT).
Protein change: p.Cys25fs; shifts the reading frame from cysteine 25.
Molecular consequence: frameshift variant.
Genome position (GRCh38, 1-based): chr1:16,044,565, T deleted. VCF-style (leftmost placement, unchanged base first): chr1-16044564-CT-C. GRCh37 (hg19) VCF-style: chr1-16371059-CT-C.
Other names: short protein forms C25fs.
Identifiers: ClinVar variation 447106 (VCV000447106.2), dbSNP rs1553127141, ClinGen allele CA658656882.